The following is an entry in ClinVar:

NM_080680.3(COL11A2):c.4316C>T (p.Ser1439Phe)

Gene: COL11A2 (collagen type XI alpha 2 chain; minus strand). Cytogenetic location: 6p21.32.
Variant type: single nucleotide variant.
Coding change: c.4316C>T on transcript NM_080680.3 (MANE Select); coding-DNA position 4316, C replaced by T.
Protein change: p.Ser1439Phe; replaces serine 1439 with phenylalanine.
Molecular consequence: missense variant.
Genome position (GRCh38, 1-based): chr6:33,166,742, G>A on the plus strand (C>T on the coding strand, the complement: COL11A2 is on the minus strand). VCF-style: chr6-33166742-G-A. GRCh37 (hg19) VCF-style: chr6-33134519-G-A.
Other names: c.4136C>T, p.Ser1379Phe (NM_001424108.1); c.3470C>T, p.Ser1157Phe (NM_001424109.1); c.3290C>T, p.Ser1097Phe (NM_001424110.1, NM_001424111.1); c.2270C>T, p.Ser757Phe (NM_001424112.1); c.3995C>T, p.Ser1332Phe (NM_080679.3); c.4058C>T, p.Ser1353Phe (NM_080681.3); short protein forms S757F, S1097F, S1157F, S1439F, S1353F, S1332F, S1379F.
Identifiers: ClinVar variation 3635242 (VCV003635242.2).

ClinVar aggregate classification (germline): Uncertain significance (1 of 4 stars; one submission).

Submission:

Labcorp Genetics (formerly Invitae), Labcorp
Classification: Uncertain significance. Last evaluated: 2024-11-11. Review status: criteria provided, single submitter. Criteria: Invitae Variant Classification Sherloc (09022015). Collection method: clinical testing. Allele origin: germline.
Comment: This sequence change replaces serine, which is neutral and polar, with phenylalanine, which is neutral and non-polar, at codon 1439 of the COL11A2 protein (p.Ser1439Phe). This variant is not present in population databases (gnomAD no frequency). This variant has not been reported in the literature in individuals affected with COL11A2-related conditions. Invitae Evidence Modeling of protein sequence and biophysical properties (such as structural, functional, and spatial information, amino acid conservation, physicochemical variation, residue mobility, and thermodynamic stability) indicates that this missense variant is not expected to disrupt COL11A2 protein function with a negative predictive value of 95%. In summary, the available evidence is currently insufficient to determine the role of this variant in disease. Therefore, it has been classified as a Variant of Uncertain Significance.